The following is an entry in ClinVar:

ClinVar aggregate classification (germline): Uncertain significance. Review status: criteria provided, multiple submitters, no conflicts (2 of 4 stars). 3 submissions from 3 submitters: Uncertain significance (3). Last evaluated 2025-04-02.

Conditions:
Inborn genetic diseases. Identifiers: MedGen C0950123, MeSH D030342.

Allele frequency attached by ClinVar (database versions not stated): ExAC 0.00001; gnomAD 0.00001; gnomAD exomes 0.00001; TOPMed 0.00002.
gnomAD v4.1: 16 of 1,606,818 alleles (0.001%); highest among the groups gnomAD compares: Non-Finnish European, 0.0014%; no homozygotes.

Submissions (3):

GeneDx
Classification: Uncertain significance. Last evaluated: 2025-04-02. Review status: criteria provided, single submitter. Criteria: GeneDx Variant Classification Process June 2021. Collection method: clinical testing. Allele origin: germline. Affected: yes.
Comment: Not observed at significant frequency in large population cohorts (gnomAD); In silico analysis indicates that this missense variant does not alter protein structure/function; Has not been previously published as pathogenic or benign to our knowledge

Mayo Clinic Laboratories, Mayo Clinic
Classification: Uncertain significance. Last evaluated: 2024-03-05. Review status: criteria provided, single submitter. Criteria: ACMG Guidelines, 2015. Collection method: clinical testing. Allele origin: germline. Observed: 1 variant allele.
Comment: BP4, PM2_moderate

Ambry Genetics
Classification: Uncertain significance for Inborn genetic diseases. Last evaluated: 2023-03-02. Review status: criteria provided, single submitter. Criteria: Ambry Variant Classification Scheme 2023. Collection method: clinical testing. Allele origin: germline.

NM_001083961.2(WDR62):c.4499A>G (p.Asp1500Gly)

Gene: WDR62 (WD repeat domain 62; plus strand). Cytogenetic location: 19q13.12.
Variant type: single nucleotide variant.
Coding change: c.4499A>G on transcript NM_001083961.2 (MANE Select); coding-DNA position 4499, A replaced by G.
Protein change: p.Asp1500Gly; replaces aspartic acid 1500 with glycine.
Molecular consequence: missense variant.
Genome position (GRCh38, 1-based): chr19:36,104,955, A>G. VCF-style: chr19-36104955-A-G. GRCh37 (hg19) VCF-style: chr19-36595857-A-G.
Other names: p.Asp1500Gly; c.4484A>G, p.Asp1495Gly (NM_173636.5); short protein forms D1495G, D1500G.
Identifiers: ClinVar variation 1305228 (VCV001305228.6), dbSNP rs771866189, ClinGen allele CA9396591.